The following is an entry in ClinVar:

ClinVar aggregate classification (germline): Benign. Review status: criteria provided, multiple submitters, no conflicts (2 of 4 stars). 2 submissions from 2 submitters: Benign (2). Last evaluated 2018-06-14.

Allele frequency attached by ClinVar (database versions not stated): gnomAD 0.22307 and 0.23797; TOPMed 0.22769; gnomAD exomes 0.30482; 1000 Genomes Project 30x 0.35899; 1000 Genomes Project 0.36821.
gnomAD v4.1: 129,445 of 458,582 alleles (28%); highest among the groups gnomAD compares: East Asian, 80%; 23,626 homozygotes.

Submissions (2):

GeneDx
Classification: Benign. Last evaluated: 2018-06-14. Review status: criteria provided, single submitter. Criteria: GeneDx Variant Classification (06012015). Collection method: clinical testing. Allele origin: germline. Affected: yes.
Comment: This variant is considered likely benign or benign based on one or more of the following criteria: it is a conservative change, it occurs at a poorly conserved position in the protein, it is predicted to be benign by multiple in silico algorithms, and/or has population frequency not consistent with disease.

Breakthrough Genomics
Classification: Benign. Review status: criteria provided, single submitter. Criteria: ACMG Guidelines, 2015. Collection method: not provided. Allele origin: germline. Inheritance: Autosomal recessive inheritance. Affected: yes.

NM_000925.4(PDHB):c.303+306C>T

Gene: PDHB (pyruvate dehydrogenase E1 subunit beta; minus strand). Cytogenetic location: 3p14.3.
Variant type: single nucleotide variant.
Coding change: c.303+306C>T on transcript NM_000925.4 (MANE Select); 306 bases into the intron after coding-DNA position 303, C replaced by T.
Molecular consequence: intron variant.
Genome position (GRCh38, 1-based): chr3:58,431,287, G>A on the plus strand (C>T on the coding strand, the complement: PDHB is on the minus strand). VCF-style: chr3-58431287-G-A. GRCh37 (hg19) VCF-style: chr3-58417014-G-A.
Other names: c.249+306C>T (NM_001315536.2); c.303+306C>T (NM_001173468.2).
Identifiers: ClinVar variation 669535 (VCV000669535.2), dbSNP rs7644348, ClinGen allele CA11501206.
Genomic context (GRCh38, chr3:58,431,287, plus strand): 5'-CCAAATGATGTTTTTAAAAGGTGATGTTAAATCTCTTTGGGGATGGGCACAGTGGCTCAC[G>A]CCTGTAATCCCAGCACTTTGGGAGGCCAAGGCGGTCGGATCACTTGAGGCCAGGAGTTCA-3'